The following is an entry in ClinVar:

ClinVar aggregate classification (germline): Uncertain significance (1 of 4 stars; one submission).

Conditions:
Familial adenomatous polyposis 1 (FAP1). Also called: FAMILIAL ADENOMATOUS POLYPOSIS 1, ATTENUATED; POLYPOSIS, ADENOMATOUS INTESTINAL. Identifiers: MedGen C2713442, MONDO:0021056, OMIM 175100. Disease mechanism: loss of function.

Allele frequency attached by ClinVar (database versions not stated): gnomAD 0.00001; gnomAD exomes below 0.00001.

Submission:

Labcorp Genetics (formerly Invitae), Labcorp
Classification: Uncertain significance for Familial adenomatous polyposis 1. Last evaluated: 2024-05-19. Review status: criteria provided, single submitter. Criteria: Invitae Variant Classification Sherloc (09022015). Collection method: clinical testing. Allele origin: germline.
Comment: This variant occurs in a non-coding region of the APC gene. It does not change the encoded amino acid sequence of the APC protein. This variant is present in population databases (no rsID available, gnomAD 0.01%). This variant has not been reported in the literature in individuals affected with APC-related conditions. ClinVar contains an entry for this variant (Variation ID: 656617). Experimental studies and prediction algorithms are not available or were not evaluated, and the functional significance of this variant is currently unknown. In summary, the available evidence is currently insufficient to determine the role of this variant in disease. Therefore, it has been classified as a Variant of Uncertain Significance.

NC_000005.10:g.112707448A>G

Gene: APC (APC regulator of Wnt signaling pathway; plus strand). Cytogenetic location: 5q22.2.
Variant type: single nucleotide variant.
Genome position: GRCh38 VCF-style: chr5-112707448-A-G. GRCh37 (hg19) VCF-style: chr5-112043145-A-G.
Identifiers: ClinVar variation 656617 (VCV000656617.8), dbSNP rs1412978804, ClinGen allele CA561890098.